The following is an entry in ClinVar:

NM_001365088.1(SLC12A6):c.2274G>T (p.Gln758His)

Gene: SLC12A6 (solute carrier family 12 member 6; minus strand). Cytogenetic location: 15q14.
Variant type: single nucleotide variant.
Coding change: c.2274G>T on transcript NM_001365088.1 (MANE Select); coding-DNA position 2274, G replaced by T.
Protein change: p.Gln758His; replaces glutamine 758 with histidine.
Molecular consequence: missense variant.
Genome position (GRCh38, 1-based): chr15:34,240,823, C>A on the plus strand (G>T on the coding strand, the complement: SLC12A6 is on the minus strand). VCF-style: chr15-34240823-C-A. GRCh37 (hg19) VCF-style: chr15-34533024-C-A.
Other names: c.2097G>T, p.Gln699His (NM_001042494.2, NM_001042495.2); c.2247G>T, p.Gln749His (NM_001042496.2); c.2229G>T, p.Gln743His (NM_001042497.2); c.2121G>T, p.Gln707His (NM_005135.2); c.2274G>T, p.Gln758His (NM_133647.2); short protein forms Q699H, Q707H, Q743H, Q749H, Q758H.
Identifiers: ClinVar variation 4855916 (VCV004855916.1).

ClinVar aggregate classification (germline): Uncertain significance (1 of 4 stars; one submission).

Conditions:
Charcot-Marie-Tooth disease, axonal, IIa 2II. Also called: CHARCOT-MARIE-TOOTH NEUROPATHY, TYPE 2II; Charcot-Marie-Tooth disease, axonal, type 2II; Charcot-marie-tooth disease, axonal,IIa 2II. Identifiers: MedGen C5774227, MONDO:0031068, OMIM 620068.

Submission:

3billion
Classification: Uncertain significance for Charcot-Marie-Tooth disease, axonal, IIa 2II. Last evaluated: 2025-11-08. Review status: criteria provided, single submitter. Criteria: ACMG Guidelines, 2015. Collection method: clinical testing. Allele origin: germline. Affected: yes.
Comment: The variant is not observed in the gnomAD v4.1.0 dataset. Predicted Consequence/Location: Missense variant. The majority of the known disease-causing variants of this gene are variants expected to result in premature termination of the protein. In silico tool predictions suggest damaging effect of the variant on gene or gene product [REVEL: 0.91 (>=0.6, sensitivity 0.68 and specificity 0.92); 3Cnet: 0.96 (> 0.75, sensitivity 0.96 and precision 0.92)]. Therefore, this variant is classified as VUS according to the recommendation of ACMG/AMP guideline.